The following is an entry in ClinVar:

NM_017755.6(NSUN2):c.1171A>C (p.Thr391Pro)

Gene: NSUN2 (NOP2/Sun RNA methyltransferase 2; minus strand). Cytogenetic location: 5p15.31.
Variant type: single nucleotide variant.
Coding change: c.1171A>C on transcript NM_017755.6 (MANE Select); coding-DNA position 1171, A replaced by C.
Protein change: p.Thr391Pro; replaces threonine 391 with proline.
Molecular consequence: missense variant. On other transcripts: non-coding transcript variant (1).
Genome position (GRCh38, 1-based): chr5:6,611,010, T>G on the plus strand (A>C on the coding strand, the complement: NSUN2 is on the minus strand). VCF-style: chr5-6611010-T-G. GRCh37 (hg19) VCF-style: chr5-6611123-T-G.
Other names: c.1066A>C, p.Thr356Pro (NM_001193455.2); short protein forms T356P, T391P.
Identifiers: ClinVar variation 3667719 (VCV003667719.2).
Genomic context (GRCh38, chr5:6,611,010, plus strand): 5'-CTCACCATCGCTCCAGGTGCATGGCCTGCAGCTTTTCTGGGTCCTTCGGAGGGAACATGG[T>G]AGGTCGGATCTGGGTGTGTCTGCTGTGAGGAACAGCGTCCCAGTCTGTAAACCACTGCCC-3'
Protein context (NP_060225.4, residues 381-401): PHSRHTQIRP[Thr391Pro]MFPPKDPEKL

ClinVar aggregate classification (germline): Uncertain significance (1 of 4 stars; one submission).

Submission:

Labcorp Genetics (formerly Invitae), Labcorp
Classification: Uncertain significance. Last evaluated: 2024-07-20. Review status: criteria provided, single submitter. Criteria: Invitae Variant Classification Sherloc (09022015). Collection method: clinical testing. Allele origin: germline.
Comment: This sequence change replaces threonine, which is neutral and polar, with proline, which is neutral and non-polar, at codon 391 of the NSUN2 protein (p.Thr391Pro). This variant is not present in population databases (gnomAD no frequency). This variant has not been reported in the literature in individuals affected with NSUN2-related conditions. Advanced modeling of protein sequence and biophysical properties (such as structural, functional, and spatial information, amino acid conservation, physicochemical variation, residue mobility, and thermodynamic stability) has been performed at Invitae for this missense variant, however the output from this modeling did not meet the statistical confidence thresholds required to predict the impact of this variant on NSUN2 protein function. In summary, the available evidence is currently insufficient to determine the role of this variant in disease. Therefore, it has been classified as a Variant of Uncertain Significance.